The following is an entry in ClinVar:

NM_003331.5(TYK2):c.2935G>A (p.Glu979Lys)

Gene: TYK2 (tyrosine kinase 2; minus strand). Cytogenetic location: 19p13.2.
Variant type: single nucleotide variant.
Coding change: c.2935G>A on transcript NM_003331.5 (MANE Select); coding-DNA position 2935, G replaced by A.
Protein change: p.Glu979Lys; replaces glutamic acid 979 with lysine.
Molecular consequence: missense variant.
Genome position (GRCh38, 1-based): chr19:10,353,620, C>T on the plus strand (G>A on the coding strand, the complement: TYK2 is on the minus strand). VCF-style: chr19-10353620-C-T. GRCh37 (hg19) VCF-style: chr19-10464296-C-T.
Other names: c.2935G>A, p.Glu979Lys (NM_001385197.1, NM_001385198.1); c.2749G>A, p.Glu917Lys (NM_001385199.1); c.2932G>A, p.Glu978Lys (NM_001385200.1); c.2737G>A, p.Glu913Lys (NM_001385201.1); c.2851G>A, p.Glu951Lys (NM_001385202.1); c.3016G>A, p.Glu1006Lys (NM_001385203.1); c.3145G>A, p.Glu1049Lys (NM_001385204.1); c.2845G>A, p.Glu949Lys (NM_001385205.1); and 2 more; short protein forms E917K, E951K, E913K, E973K, E978K, E1006K, E1049K, E937K.
Identifiers: ClinVar variation 1460591 (VCV001460591.8), dbSNP rs531721749, ClinGen allele CA9192864.
Genomic context (GRCh38, chr19:10,353,620, plus strand): 5'-GGGCCAGCCCGATGCTGTGCCGGGGCAGGTAGTCTCGGAGGCTGCCCAGGGGCACGTACT[C>T]CATGACCAGCTGCAGCGACTTCTCGCCTGCCGCGGAGAGGGGCGGCCCCGGTGGGGGACG-3'
Protein context (NP_003322.3, residues 969-989): QGEKSLQLVM[Glu979Lys]YVPLGSLRDY

ClinVar aggregate classification (germline): Uncertain significance (1 of 4 stars; one submission).

Conditions:
Immunodeficiency 35 (IMD35). Also called: Susceptibility to infection due to TYK2 deficiency; TYK2 DEFICIENCY; HIES WITH ATYPICAL MYCOBACTERIOSIS, AUTOSOMAL RECESSIVE; HYPER-IgE SYNDROME WITH ATYPICAL MYCOBACTERIOSIS, AUTOSOMAL RECESSIVE. Identifiers: Orphanet 331226, MedGen C1969086, MONDO:0012682, OMIM 611521.

Allele frequency attached by ClinVar (database versions not stated): gnomAD 0.00001; gnomAD exomes 0.00001 and 0.00002; ExAC 0.00002; 1000 Genomes Project 30x 0.00016; 1000 Genomes Project 0.00020.
gnomAD v4.1: 17 of 1,476,934 alleles (0.0012%); highest among the groups gnomAD compares: South Asian, 0.019%; no homozygotes.

Submission:

Labcorp Genetics (formerly Invitae), Labcorp
Classification: Uncertain significance for Immunodeficiency 35. Last evaluated: 2025-03-10. Review status: criteria provided, single submitter. Criteria: Invitae Variant Classification Sherloc (09022015). Collection method: clinical testing. Allele origin: germline.
Comment: This sequence change replaces glutamic acid, which is acidic and polar, with lysine, which is basic and polar, at codon 979 of the TYK2 protein (p.Glu979Lys). This variant is present in population databases (rs531721749, gnomAD 0.02%). This variant has not been reported in the literature in individuals affected with TYK2-related conditions. ClinVar contains an entry for this variant (Variation ID: 1460591). Invitae Evidence Modeling of protein sequence and biophysical properties (such as structural, functional, and spatial information, amino acid conservation, physicochemical variation, residue mobility, and thermodynamic stability) indicates that this missense variant is expected to disrupt TYK2 protein function with a positive predictive value of 80%. In summary, the available evidence is currently insufficient to determine the role of this variant in disease. Therefore, it has been classified as a Variant of Uncertain Significance.